The following is an entry in ClinVar:

ClinVar aggregate classification (germline): Uncertain significance (1 of 4 stars; one submission).

Conditions:
Inborn genetic diseases. Identifiers: MedGen C0950123, MeSH D030342.

gnomAD v4.1: 4 of 1,614,140 alleles (0.00025%); highest among the groups gnomAD compares: Non-Finnish European, 0.00034%; no homozygotes.

Submission:

Ambry Genetics
Classification: Uncertain significance for Inborn genetic diseases. Last evaluated: 2026-01-05. Review status: criteria provided, single submitter. Criteria: Ambry Variant Classification Scheme 2023. Collection method: clinical testing. Allele origin: germline.
Comment: The c.338C>T (p.T113I) alteration is located in exon 1 (coding exon 1) of the KRT4 gene. This alteration results from a C to T substitution at nucleotide position 338, causing the threonine (T) at amino acid position 113 to be replaced by an isoleucine (I). Based on data from gnomAD, the T allele has an overall frequency of 0.001% (3/250564) total alleles studied. The highest observed frequency was 0.003% (3/113462) of European (non-Finnish) alleles. Based on insufficient or conflicting evidence, the clinical significance of this alteration remains unclear.

NM_002272.4(KRT4):c.338C>T (p.Thr113Ile)

Gene: KRT4 (keratin 4; minus strand). Cytogenetic location: 12q13.13.
Variant type: single nucleotide variant.
Coding change: c.338C>T on transcript NM_002272.4 (MANE Select); coding-DNA position 338, C replaced by T.
Protein change: p.Thr113Ile; replaces threonine 113 with isoleucine.
Molecular consequence: missense variant.
Genome position (GRCh38, 1-based): chr12:52,813,721, G>A on the plus strand (C>T on the coding strand, the complement: KRT4 is on the minus strand). VCF-style: chr12-52813721-G-A. GRCh37 (hg19) VCF-style: chr12-53207505-G-A.
Other names: short protein forms T113I.
Identifiers: ClinVar variation 4839080 (VCV004839080.1).